The following is an entry in ClinVar:

NM_005120.3(MED12):c.5347AAG[2] (p.Lys1785del)

Gene: MED12 (mediator complex subunit 12; plus strand). Cytogenetic location: Xq13.1.
Variant type: Microsatellite.
Coding change: c.5347AAG[2] on transcript NM_005120.3 (MANE Select); two copies in a row of the 3-base unit AAG starting at c.5347; the reference has three copies in a row; one copy, 3 bases deleted.
Protein change: p.Lys1785del; deletes lysine 1785.
Molecular consequence: inframe deletion.
Genome position (GRCh38, 1-based): chrX:71,136,608-71,136,610, AAG deleted; deleting any 3 consecutive bases within chrX:71,136,602-71,136,610 gives the same sequence; the position shown is the placement nearest the transcript's 3' end. VCF-style (leftmost placement, unchanged base first): chrX-71136601-CAAG-C. GRCh37 (hg19) VCF-style: chrX-70356451-CAAG-C.
Other names: short protein forms K1785del.
Identifiers: ClinVar variation 1909190 (VCV001909190.5), dbSNP rs2147827025, ClinGen allele CA2580612352.

ClinVar aggregate classification (germline): Uncertain significance (1 of 4 stars; one submission).

Conditions:
FG syndrome (FGS). Identifiers: MedGen C0220769, MONDO:0002010.

Submission:

Labcorp Genetics (formerly Invitae), Labcorp
Classification: Uncertain significance for FG syndrome. Last evaluated: 2026-02-02. Review status: criteria provided, single submitter. Criteria: Invitae Variant Classification Sherloc (09022015). Collection method: clinical testing. Allele origin: germline.
Comment: This variant, c.5353_5355del, results in the deletion of 1 amino acid(s) of the MED12 protein (p.Lys1785del), but otherwise preserves the integrity of the reading frame. This variant is not present in population databases (gnomAD no frequency). This variant has not been reported in the literature in individuals affected with MED12-related conditions. Experimental studies and prediction algorithms are not available or were not evaluated, and the functional significance of this variant is currently unknown. In summary, the available evidence is currently insufficient to determine the role of this variant in disease. Therefore, it has been classified as a Variant of Uncertain Significance.